The following is an entry in ClinVar:

NM_001128840.3(CACNA1D):c.5999del (p.Leu2000fs)

Gene: CACNA1D (calcium voltage-gated channel subunit alpha1 D; plus strand). Cytogenetic location: 3p21.1.
Variant type: Deletion.
Coding change: c.5999del on transcript NM_001128840.3 (MANE Select); coding-DNA position 5999, one base deleted (T; older notation c.5999delT).
Protein change: p.Leu2000fs; shifts the reading frame from leucine 2000.
Molecular consequence: frameshift variant.
Genome position (GRCh38, 1-based): chr3:53,810,105, T deleted. VCF-style (leftmost placement, unchanged base first): chr3-53810104-CT-C. GRCh37 (hg19) VCF-style: chr3-53844131-CT-C.
Other names: c.6059del, p.Leu2020fs (NM_000720.4); c.5927del, p.Leu1976fs (NM_001128839.3); short protein forms L1976fs, L2000fs, L2020fs.
Identifiers: ClinVar variation 4798900 (VCV004798900.1).

ClinVar aggregate classification (germline): Uncertain significance (1 of 4 stars; one submission).

Submission:

Labcorp Genetics (formerly Invitae), Labcorp
Classification: Uncertain significance. Last evaluated: 2025-07-30. Review status: criteria provided, single submitter. Criteria: Invitae Variant Classification Sherloc (09022015). Collection method: clinical testing. Allele origin: germline.
Comment: This sequence change creates a premature translational stop signal (p.Leu2020Argfs*13) in the CACNA1D gene. It is expected to result in an absent or disrupted protein product. However, the current clinical and genetic evidence is not sufficient to establish whether loss-of-function variants in CACNA1D cause disease. This variant is not present in population databases (gnomAD no frequency). This variant has not been reported in the literature in individuals affected with CACNA1D-related conditions. In summary, the available evidence is currently insufficient to determine the role of this variant in disease. Therefore, it has been classified as a Variant of Uncertain Significance.